The following is an entry in ClinVar:

ClinVar aggregate classification (germline): Uncertain significance (1 of 4 stars; one submission).

gnomAD v4.1: 2 of 1,612,792 alleles (0.00012%); highest among the groups gnomAD compares: South Asian, 0.0011%; no homozygotes.

Submission:

Labcorp Genetics (formerly Invitae), Labcorp
Classification: Uncertain significance. Last evaluated: 2024-02-26. Review status: criteria provided, single submitter. Criteria: Invitae Variant Classification Sherloc (09022015). Collection method: clinical testing. Allele origin: germline.
Comment: This sequence change replaces leucine, which is neutral and non-polar, with valine, which is neutral and non-polar, at codon 495 of the LRRC8A protein (p.Leu495Val). This variant is present in population databases (no rsID available, gnomAD 0.007%). This variant has not been reported in the literature in individuals affected with LRRC8A-related conditions. ClinVar contains an entry for this variant (Variation ID: 1389184). An algorithm developed to predict the effect of missense changes on protein structure and function (PolyPhen-2) suggests that this variant is likely to be disruptive. In summary, the available evidence is currently insufficient to determine the role of this variant in disease. Therefore, it has been classified as a Variant of Uncertain Significance.

NM_019594.4(LRRC8A):c.1483C>G (p.Leu495Val)

Gene: LRRC8A (leucine rich repeat containing 8 VRAC subunit A; plus strand). Cytogenetic location: 9q34.11.
Variant type: single nucleotide variant.
Coding change: c.1483C>G on transcript NM_019594.4 (MANE Select); coding-DNA position 1483, C replaced by G.
Protein change: p.Leu495Val; replaces leucine 495 with valine.
Molecular consequence: missense variant.
Genome position (GRCh38, 1-based): chr9:128,908,647, C>G. VCF-style: chr9-128908647-C-G. GRCh37 (hg19) VCF-style: chr9-131670926-C-G.
Other names: c.1483C>G, p.Leu495Val (NM_001127244.2, NM_001127245.2); short protein forms L495V.
Identifiers: ClinVar variation 1389184 (VCV001389184.6), dbSNP rs1371324324, ClinGen allele CA375081738.